The following is an entry in ClinVar:

NM_005476.7(GNE):c.77C>G (p.Ala26Gly)

Gene: GNE (glucosamine (UDP-N-acetyl)-2-epimerase/N-acetylmannosamine kinase; minus strand). Cytogenetic location: 9p13.3.
Variant type: single nucleotide variant.
Coding change: c.77C>G on transcript NM_005476.7 (MANE Select); coding-DNA position 77, C replaced by G.
Protein change: p.Ala26Gly; replaces alanine 26 with glycine.
Molecular consequence: missense variant. On other transcripts: intron variant (3).
Genome position (GRCh38, 1-based): chr9:36,249,279, G>C on the plus strand (C>G on the coding strand, the complement: GNE is on the minus strand). VCF-style: chr9-36249279-G-C. GRCh37 (hg19) VCF-style: chr9-36249276-G-C.
Other names: c.170C>G, p.Ala57Gly (NM_001128227.3); c.77C>G, p.Ala26Gly (NM_001190383.3, NM_001374797.1); c.-13-2797C>G (NM_001190388.2, NM_001190384.3, NM_001374798.1); short protein forms A57G, A26G.
Identifiers: ClinVar variation 942639 (VCV000942639.9), dbSNP rs1266233810, ClinGen allele CA373421906.

ClinVar aggregate classification (germline): Uncertain significance (1 of 4 stars; one submission).

Conditions:
GNE myopathy (NM). Also called: INCLUSION BODY MYOPATHY, HEREDITARY, AUTOSOMAL RECESSIVE; NONAKA DISTAL MYOPATHY; INCLUSION BODY MYOPATHY 2, AUTOSOMAL RECESSIVE; MYOPATHY, DISTAL, WITH OR WITHOUT RIMMED VACUOLES; IBM 2; Inclusion body myopathy autosomal recessive. Identifiers: Orphanet 602, MedGen C1853926, MONDO:0011603, OMIM 605820.
Sialuria. Also called: Sialic Acid Storage Disease; SIALURIA, FRENCH TYPE. Identifiers: Orphanet 3166, MedGen C0342853, MONDO:0010028, OMIM 269921.

Allele frequency attached by ClinVar (database versions not stated): TOPMed below 0.00001; gnomAD 0.00001.
gnomAD v4.1: 1 of 1,613,898 alleles (0.000062%); highest among the groups gnomAD compares: Non-Finnish European, 0.000085%; no homozygotes.

Submission:

Labcorp Genetics (formerly Invitae), Labcorp
Classification: Uncertain significance for Sialuria; GNE myopathy. Last evaluated: 2022-07-26. Review status: criteria provided, single submitter. Criteria: Invitae Variant Classification Sherloc (09022015). Collection method: clinical testing. Allele origin: germline.
Comment: In summary, the available evidence is currently insufficient to determine the role of this variant in disease. Therefore, it has been classified as a Variant of Uncertain Significance. Algorithms developed to predict the effect of missense changes on protein structure and function (SIFT, PolyPhen-2, Align-GVGD) all suggest that this variant is likely to be tolerated. ClinVar contains an entry for this variant (Variation ID: 942639). This variant has not been reported in the literature in individuals affected with GNE-related conditions. This variant is not present in population databases (gnomAD no frequency). This sequence change replaces alanine, which is neutral and non-polar, with glycine, which is neutral and non-polar, at codon 57 of the GNE protein (p.Ala57Gly).